The following is an entry in ClinVar:

ClinVar aggregate classification (germline): Conflicting classifications of pathogenicity. Review status: criteria provided, conflicting classifications (1 of 4 stars). 29 submissions from 29 submitters: Pathogenic (3); Likely pathogenic (7); Pathogenic, low penetrance (1); Uncertain significance (12). 6 of the submissions do not count toward it. Last evaluated 2026-06-01.

Conditions:
Inherited breast cancer and ovarian cancer.
BRCA2-related cancer predisposition. Identifiers: MedGen CN377758, MONDO:0700269.
BRCA2-related disorder. Also called: BRCA2-related condition; BRCA2-related disorders. Identifiers: MedGen CN239275.
Breast and/or ovarian cancer. Identifiers: MedGen CN221562.
Familial cancer of breast. Also called: hereditary breast carcinoma; Hereditary breast cancer; BREAST CANCER, FAMILIAL. Identifiers: Orphanet 227535, MedGen C0346153, MONDO:0016419, OMIM 114480. Disease mechanism: loss of function.
Breast-ovarian cancer, familial, susceptibility to, 2 (BROVCA2). Also called: BRCA2 Hereditary Breast and Ovarian Cancer. Identifiers: Orphanet 145, MedGen C2675520, MONDO:0012933, OMIM 612555. Disease mechanism: loss of function.
Hereditary cancer-predisposing syndrome. Also called: Hereditary Cancer Syndrome; Neoplastic Syndromes, Hereditary; Hereditary neoplastic syndrome; Tumor predisposition. Identifiers: Orphanet 140162, MedGen C0027672, MeSH D009386, MONDO:0015356.
Breast neoplasm. Also called: Neoplasm of the breast; Breast Neoplasms; Neoplasm of breast; Breast tumor. Identifiers: MedGen C1458155, MeSH D001943, MONDO:0021100, HP:0100013. Disease mechanism: gain of function.
Hereditary breast ovarian cancer syndrome. Also called: Breast and ovarian cancer; Hereditary breast and ovarian cancer syndrome; Hereditary breast and ovarian cancer syndrome (HBOC); BRCA1- and BRCA2-Associated Hereditary Breast and Ovarian Cancer; Hereditary breast and ovarian cancer; Hereditary breast and/or ovarian cancer syndrome. Identifiers: Orphanet 145, MedGen C0677776, MeSH D061325, MONDO:0003582. Disease mechanism: loss of function.

Allele frequency attached by ClinVar (database versions not stated): gnomAD 0.00001; gnomAD exomes 0.00001 and 0.00002; TOPMed 0.00003; ESP Exome Variant Server 0.00008; ExAC 0.00001.
gnomAD v4.1: 27 of 1,613,364 alleles (0.0017%); highest among the groups gnomAD compares: Admixed American, 0.0033%; no homozygotes.

Submissions 1 to 6 of 29:

CeGaT Center for Human Genetics Tuebingen
Classification: Pathogenic. Last evaluated: 2026-06-01. Review status: criteria provided, single submitter. Criteria: CeGaT Center For Human Genetics Tuebingen Variant Classification Criteria Version 2. Collection method: clinical testing. Allele origin: germline. Affected: yes. Observed: 3 variant alleles.
Comment: BRCA2: PS4, PM2, PM5, PS3:Moderate

Institute of Human Genetics, University of Leipzig Medical Center
Classification: Uncertain significance for Familial cancer of breast. Last evaluated: 2026-04-13. Review status: criteria provided, single submitter. Criteria: ACMG Guidelines, 2015. Collection method: clinical testing. Allele origin: unknown. Affected: yes.
Comment: Criteria applied: PS3,PM3_STR,PP3,BP5_VSTR

Hema, HEMA – Genetic and Molecular Diagnostic Laboratory
Classification: Pathogenic, low penetrance for BRCA2-related cancer predisposition. Last evaluated: 2026-02-26. Review status: criteria provided, single submitter. Criteria: HEMA Variant Classification Assertion Criteria. Collection method: clinical testing. Allele origin: germline.
Comment: The variant c.8351G>A p.(Arg2784Gln) is a transition from guanine to adenine, resulting in the substitution of arginine 2784 by glutamine. PS3: Calibrated functional studies demonstrated that the variant exhibits a functional impact on the protein similar to that of known pathogenic variants (PMID: 29988080, 29884841, 32444794). PM3_Strong: The variant has been detected in trans with other pathogenic variants in the BRCA2 gene in 2 patients with Fanconi anemia phenotype (PMID: 41412794). PP3: Variant in the DNA-binding domain with a BayesDel non-AF score = 0.401855 ≥ 0.30, indicating that the variant would affect protein function. BP5_VeryStrong: The multifactorial analysis evaluating co-occurrence, segregation, family history, and pathology yields a combined Likelihood Ratio (LR) = 0.000008727 < 0.00285, providing evidence against pathogenicity (PMID: 31131967). In summary, due to conflicting evidence, this variant would initially be classified as a variant of uncertain significance applying the criteria PS3, PM3_Strong, PP3, and BP5_VeryStrong, according to the specifications of the ClinGen ENIGMA BRCA1 and BRCA2 Variant Curation Expert Panel (version 1.2.0). It is important to note that these specifications were designed for high-penetrance typical variants in BRCA2. The BP5_VeryStrong criterion applied is strongly influenced by the co-occurrence (LR = 0.0486) and segregation (LR = 0.000107) likelihood ratios, which were obtained under high-penetrance models. However, recent bibliographic evidence allows classifying it as a pathogenic variant with reduced penetrance (PMID: 41412794). From the study of 36 families carrying the variant c.8351G>A p.(Arg2784Gln), hazard ratios of 4.47 for breast cancer before age 50 and 1.65 from age 50 were determined. These values are significantly lower than those observed for typical truncating pathogenic variants in BRCA2 (10.4 and 7.0, respectively). Additionally, the cosegregation analysis evaluating different levels of proportional penetrance yielded moderate evidence in favor of pathogenicity (LR = 11.026) under a model where the penetrance of this variant is 20% of that expected for truncating variants. Consequently, it is estimated that the cumulative risk of breast cancer by age 80 for women with this variant is 25%, a substantially reduced risk compared to the 69% estimated for women with classical truncating variants in BRCA2. These findings demonstrate that it is inappropriate to use the previously mentioned co-occurrence and segregation likelihood ratios. Instead, segregation evidence based on 20% penetrance should be used, applying the PP1_Moderate criterion in place of BP5_VeryStrong. This modification, combined with allelic-phenotypic (PM3_Strong), functional (PS3), and computational (PP3) evidence, allows classifying the variant as a pathogenic variant with reduced penetrance.

Ambry Genetics
Classification: Pathogenic for Hereditary cancer-predisposing syndrome. Last evaluated: 2026-01-12. Review status: criteria provided, single submitter. Criteria: Ambry Variant Classification Scheme 2023. Collection method: clinical testing. Allele origin: germline.
Comment: The p.R2784Q moderate risk mutation (also known as c.8351G>A), located in coding exon 18 of the BRCA2 gene, results from a G to A substitution at nucleotide position 8351. The arginine at codon 2784 is replaced by glutamine, an amino acid with highly similar properties. Co-segregation analysis for this variant estimated this variant to have approximately a 20% penetrance and calculated the cumulative lifetime risk for breast cancer to be 25% by age 80 (Moghadasi S et al. J Med. Genet. 2025 Dec). The cumulative lifetime risk for ovarian cancer was calculated to be 6% by age 80, but this was based on a small number of patients (Moghadasi S et al. J Med. Genet. 2025 Dec). This variant was also observed in trans with a pathogenic BRCA2 variant in a patients with Fanconi Anemia (external communication; Moghadasi S et al. J Med. Genet. 2025 Dec). This variant was shown to be deleterious in protein functional assays (Guidugli L et al. Cancer Res. 2013 Jan;73:265-75; Guidugli L et al. Am. J. Hum. Genet. 2018 Feb;102;233-248, Hart SN. Genet Med . 2019 01;21(1):71-80; Mesman RLS. Genet Med . 2019 02;21(2):293-302; Ikegami M et al. Nat Commun, 2020 05;11:2573). This amino acid position is highly conserved in available vertebrate species. The in silico prediction for this alteration is deleterious. Based on the available evidence, this alteration is classified as a moderate risk mutation that may not be associated with classic HBOC, but rather leads to increased risk of developing a BRCA2-related cancer. Clinical correlation is advised.

Center for Genomic Medicine, Rigshospitalet, Copenhagen University Hospital
Classification: Likely pathogenic. Last evaluated: 2025-12-29. Review status: criteria provided, single submitter. Criteria: ACMG Guidelines, 2015. Collection method: clinical testing. Allele origin: germline.

Women's Health and Genetics/Laboratory Corporation of America, LabCorp
Classification: Uncertain significance. Last evaluated: 2025-12-17. Review status: criteria provided, single submitter. Criteria: LabCorp Variant Classification Summary - May 2015. Collection method: clinical testing. Allele origin: germline.
Comment: Variant summary: BRCA2 c.8351G>A (p.Arg2784Gln) results in a conservative amino acid change in the encoded protein sequence. Algorithms developed to predict the effect of missense changes on protein structure and function are either unavailable or do not agree on the potential impact of this missense change. The variant allele was found at a frequency of 1.2e-05 in 251502 control chromosomes. c.8351G>A has been observed in individual(s) affected with Hereditary Breast And Ovarian Cancer Syndrome (Fortuno_2024, Gomez Garcia_2009, Ikediobi_2006, Kote-Jarai_2011, Mohammadi_2009, Stegel_2011, Tommasi_2012). These report(s) do not provide unequivocal conclusions about association of the variant with Hereditary Breast And Ovarian Cancer Syndrome. At least one publication reports experimental evidence evaluating an impact on protein function. The most pronounced variant effect results in about 20% of normal activity in a homology-directed repair activity assay (Guidugli_2013, Guidugli_2012). One variant at the Arg2784 residue has been reported Likely Pathogenic in our lab (c.8350C>T, p.Arg2784Trp), suggesting that this codon is functionally important. The following publications have been ascertained in the context of this evaluation (PMID: 38160042, 19200354, 23108138, 24323938, 17088437, 19043619, 21952622, 25348012, 19563646, 21232165). ClinVar contains an entry for this variant (Variation ID: 52559). Based on the evidence outlined above, the variant was classified as VUS-possibly pathogenic.

NM_000059.4(BRCA2):c.8351G>A (p.Arg2784Gln)

Gene: BRCA2 (BRCA2 DNA repair associated; plus strand). Cytogenetic location: 13q13.1.
Variant type: single nucleotide variant.
Coding change: c.8351G>A on transcript NM_000059.4 (MANE Select); coding-DNA position 8351, G replaced by A.
Protein change: p.Arg2784Gln; replaces arginine 2784 with glutamine.
Molecular consequence: missense variant.
Genome position (GRCh38, 1-based): chr13:32,370,421, G>A. VCF-style: chr13-32370421-G-A. GRCh37 (hg19) VCF-style: chr13-32944558-G-A.
Other names: 8579G>A; short protein forms R2784Q.
Identifiers: ClinVar variation 52559 (VCV000052559.63), dbSNP rs80359076, ClinGen allele CA025594.